The following is an entry in ClinVar:

NM_033124.5(DRC2):c.535G>A (p.Glu179Lys)

Gene: DRC2 (dynein regulatory complex subunit 2; plus strand). Cytogenetic location: 12q13.12.
Variant type: single nucleotide variant.
Coding change: c.535G>A on transcript NM_033124.5 (MANE Select); coding-DNA position 535, G replaced by A.
Protein change: p.Glu179Lys; replaces glutamic acid 179 with lysine.
Molecular consequence: missense variant.
Genome position (GRCh38, 1-based): chr12:48,917,034, G>A. VCF-style: chr12-48917034-G-A. GRCh37 (hg19) VCF-style: chr12-49310817-G-A.
Other names: c.106G>A, p.Glu36Lys (NM_001286957.2); short protein forms E36K, E179K.
Identifiers: ClinVar variation 946619 (VCV000946619.9), dbSNP rs1939705595, ClinGen allele CA384628391.
Genomic context (GRCh38, chr12:48,917,034, plus strand): 5'-ACAATTATTGACCAACATGAGAAAGAGATTCACTATCTGCAAGATATCTTCATGGCCATG[G>A]AGCAGAACTATATAGATTCTGAGTATGAAAGCAAGCTGGAGTTCCAGAGCATGTGGAATG-3'
Protein context (NP_149115.2, residues 169-189): HYLQDIFMAM[Glu179Lys]QNYIDSEYES

ClinVar aggregate classification (germline): Uncertain significance (1 of 4 stars; one submission).

Conditions:
Primary ciliary dyskinesia 27. Also called: CILIARY DYSKINESIA, PRIMARY, 27, WITHOUT SITUS INVERSUS. Identifiers: Orphanet 244, MedGen C3809701, MONDO:0014215, OMIM 615504.

gnomAD v4.1: 2 of 1,613,998 alleles (0.00012%); highest among the groups gnomAD compares: South Asian, 0.0011%; no homozygotes.

Submission:

Labcorp Genetics (formerly Invitae), Labcorp
Classification: Uncertain significance for Primary ciliary dyskinesia 27. Last evaluated: 2025-07-31. Review status: criteria provided, single submitter. Criteria: Invitae Variant Classification Sherloc (09022015). Collection method: clinical testing. Allele origin: germline.
Comment: This sequence change replaces glutamic acid, which is acidic and polar, with lysine, which is basic and polar, at codon 179 of the CCDC65 protein (p.Glu179Lys). This variant is not present in population databases (gnomAD no frequency). This variant has not been reported in the literature in individuals affected with CCDC65-related conditions. ClinVar contains an entry for this variant (Variation ID: 946619). An algorithm developed to predict the effect of missense changes on protein structure and function (PolyPhen-2) suggests that this variant is likely to be disruptive. In summary, the available evidence is currently insufficient to determine the role of this variant in disease. Therefore, it has been classified as a Variant of Uncertain Significance.